The following is an entry in ClinVar:

NM_001164688.2(RD3):c.119C>T (p.Ala40Val)

Gene: RD3 (RD3 regulator of GUCY2D; minus strand). Cytogenetic location: 1q32.3.
Variant type: single nucleotide variant.
Coding change: c.119C>T on transcript NM_001164688.2 (MANE Select); coding-DNA position 119, C replaced by T.
Protein change: p.Ala40Val; replaces alanine 40 with valine.
Molecular consequence: missense variant.
Genome position (GRCh38, 1-based): chr1:211,481,297, G>A on the plus strand (C>T on the coding strand, the complement: RD3 is on the minus strand). VCF-style: chr1-211481297-G-A. GRCh37 (hg19) VCF-style: chr1-211654639-G-A.
Other names: c.119C>T, p.Ala40Val (NM_183059.3); short protein forms A40V.
Identifiers: ClinVar variation 2051591 (VCV002051591.4), dbSNP rs773204569, ClinGen allele CA1381152.

ClinVar aggregate classification (germline): Uncertain significance (1 of 4 stars; one submission).

Conditions:
Leber congenital amaurosis 12 (LCA12). Identifiers: Orphanet 65, MedGen C1857743, MONDO:0012525, OMIM 610612.

Allele frequency attached by ClinVar (database versions not stated): TOPMed below 0.00001; gnomAD exomes 0.00001; ExAC 0.00003.
gnomAD v4.1: 12 of 1,614,252 alleles (0.00074%); highest among the groups gnomAD compares: African/African-American, 0.0027%; no homozygotes.

Submission:

Labcorp Genetics (formerly Invitae), Labcorp
Classification: Uncertain significance for Leber congenital amaurosis 12. Last evaluated: 2022-06-08. Review status: criteria provided, single submitter. Criteria: Invitae Variant Classification Sherloc (09022015). Collection method: clinical testing. Allele origin: germline.
Comment: This sequence change replaces alanine, which is neutral and non-polar, with valine, which is neutral and non-polar, at codon 40 of the RD3 protein (p.Ala40Val). In summary, the available evidence is currently insufficient to determine the role of this variant in disease. Therefore, it has been classified as a Variant of Uncertain Significance. Algorithms developed to predict the effect of missense changes on protein structure and function output the following: SIFT: "Tolerated"; PolyPhen-2: "Benign"; Align-GVGD: "Class C0". The valine amino acid residue is found in multiple mammalian species, which suggests that this missense change does not adversely affect protein function. This variant has not been reported in the literature in individuals affected with RD3-related conditions. This variant is present in population databases (rs773204569, gnomAD 0.004%).